The following is an entry in ClinVar:

NM_001009944.3(PKD1):c.8012G>T (p.Cys2671Phe)

Gene: PKD1 (polycystin 1, transient receptor potential channel interacting; minus strand). Cytogenetic location: 16p13.3.
Variant type: single nucleotide variant.
Coding change: c.8012G>T on transcript NM_001009944.3 (MANE Select); coding-DNA position 8012, G replaced by T.
Protein change: p.Cys2671Phe; replaces cysteine 2671 with phenylalanine.
Molecular consequence: missense variant.
Genome position (GRCh38, 1-based): chr16:2,105,326, C>A on the plus strand (G>T on the coding strand, the complement: PKD1 is on the minus strand). VCF-style: chr16-2105326-C-A. GRCh37 (hg19) VCF-style: chr16-2155327-C-A.
Other names: c.8012G>T, p.Cys2671Phe (NM_000296.4); short protein forms C2671F.
Identifiers: ClinVar variation 5005526 (VCV005005526.2).
Genomic context (GRCh38, chr16:2,105,326, plus strand): 5'-GAACCCAGTGCCCTGGCAGGCATGCGGGGCAGGGTGAGCAGGTGGGGCCATCCTACCATG[C>A]ACTGGGCCAGCGCAGCAGCGATCTGCTGGATGTCATCCACAGTGTGGACCCTCAGGGACA-3'
Protein context (NP_001009944.3, residues 2661-2681): IQQIAAALAQ[Cys2671Phe]MGPSRELVCR

ClinVar aggregate classification (germline): Uncertain significance (1 of 4 stars; one submission).

Conditions:
Polycystic kidney disease, adult type (PKD1). Also called: POLYCYSTIC KIDNEY DISEASE, ADULT, TYPE I; Polycystic Kidney, Autosomal Dominant; Polycystic Kidney Disease 1, Autosomal Dominant; Polycystic kidney disease 1; Polycystic kidney disease 1, severe; POLYCYSTIC KIDNEY DISEASE 1 WITH OR WITHOUT POLYCYSTIC LIVER DISEASE. Identifiers: MedGen C3149841, MONDO:0008263, OMIM 173900.

Submission:

Juno Genomics, Hangzhou Juno Genomics, Inc
Classification: Uncertain significance for Polycystic kidney disease, adult type. Review status: criteria provided, single submitter. Criteria: ACMG Guidelines, 2015. Collection method: clinical testing. Allele origin: germline.
Comment: Absent from controls (or at extremely low frequency if recessive) in Genome Aggregation Database.